The following is an entry in ClinVar:

NM_015512.5(DNAH1):c.12151G>T (p.Gly4051Trp)

Gene: DNAH1 (dynein axonemal heavy chain 1; plus strand). Cytogenetic location: 3p21.1.
Variant type: single nucleotide variant.
Coding change: c.12151G>T on transcript NM_015512.5 (MANE Select); coding-DNA position 12151, G replaced by T.
Protein change: p.Gly4051Trp; replaces glycine 4051 with tryptophan.
Molecular consequence: missense variant.
Genome position (GRCh38, 1-based): chr3:52,398,911, G>T. VCF-style: chr3-52398911-G-T. GRCh37 (hg19) VCF-style: chr3-52432927-G-T.
Other names: short protein forms G4051W.
Identifiers: ClinVar variation 1521345 (VCV001521345.8), dbSNP rs2153225875, ClinGen allele CA353085163.
Genomic context (GRCh38, chr3:52,398,911, plus strand): 5'-TACAATCGGCTGCTGCAGGTGATCACACAGACACTGCAAGACCTACTCAAGGCACTCAAG[G>T]GGCTGGTAGTGATGTCCTCTCAGCTGGAGCTGATGGCTGCCAGCCTGTACAACAATACTG-3'
Protein context (NP_056327.4, residues 4041-4061): TLQDLLKALK[Gly4051Trp]LVVMSSQLEL

ClinVar aggregate classification (germline): Uncertain significance (1 of 4 stars; one submission).

Conditions:
Spermatogenic failure 18. Identifiers: MedGen C4539783, MONDO:0054615, OMIM 617576.
Ciliary dyskinesia, primary, 37 (CILD37). Also called: CILIARY DYSKINESIA, PRIMARY, 37, WITH OR WITHOUT SITUS INVERSUS. Identifiers: MedGen C4539798, MONDO:0033204, OMIM 617577.

gnomAD v4.1: 1 of 1,608,206 alleles (0.000062%); highest among the groups gnomAD compares: Non-Finnish European, 0.000085%; no homozygotes.

Submission:

Labcorp Genetics (formerly Invitae), Labcorp
Classification: Uncertain significance for Ciliary dyskinesia, primary, 37; Spermatogenic failure 18. Last evaluated: 2021-03-29. Review status: criteria provided, single submitter. Criteria: Invitae Variant Classification Sherloc (09022015). Collection method: clinical testing. Allele origin: germline.
Comment: In summary, the available evidence is currently insufficient to determine the role of this variant in disease. Therefore, it has been classified as a Variant of Uncertain Significance. Algorithms developed to predict the effect of missense changes on protein structure and function are either unavailable or do not agree on the potential impact of this missense change (SIFT: "Deleterious"; PolyPhen-2: "Probably Damaging"; Align-GVGD: "Class C0"). This variant has not been reported in the literature in individuals with DNAH1-related conditions. This variant is not present in population databases (ExAC no frequency). This sequence change replaces glycine with tryptophan at codon 4051 of the DNAH1 protein (p.Gly4051Trp). The glycine residue is highly conserved and there is a large physicochemical difference between glycine and tryptophan.